The following is an entry in ClinVar:

NM_019066.5(MAGEL2):c.743T>C (p.Leu248Pro)

Gene: MAGEL2 (MAGE family member L2; minus strand). Cytogenetic location: 15q11.2.
Variant type: single nucleotide variant.
Coding change: c.743T>C on transcript NM_019066.5 (MANE Select); coding-DNA position 743, T replaced by C.
Protein change: p.Leu248Pro; replaces leucine 248 with proline.
Molecular consequence: missense variant.
Genome position (GRCh38, 1-based): chr15:23,647,000, A>G on the plus strand (T>C on the coding strand, the complement: MAGEL2 is on the minus strand). VCF-style: chr15-23647000-A-G. GRCh37 (hg19) VCF-style: chr15-23892147-A-G.
Other names: short protein forms L248P.
Identifiers: ClinVar variation 2779750 (VCV002779750.3), dbSNP rs776422534, ClinGen allele CA7430084.

ClinVar aggregate classification (germline): Uncertain significance (1 of 4 stars; one submission).

Allele frequency attached by ClinVar (database versions not stated): gnomAD exomes below 0.00001; gnomAD 0.00001; TOPMed 0.00001; ExAC 0.00006.
gnomAD v4.1: 3 of 1,536,374 alleles (0.0002%); highest among the groups gnomAD compares: Non-Finnish European, 0.00026%; no homozygotes.

Submission:

Labcorp Genetics (formerly Invitae), Labcorp
Classification: Uncertain significance. Last evaluated: 2025-08-14. Review status: criteria provided, single submitter. Criteria: Invitae Variant Classification Sherloc (09022015). Collection method: clinical testing. Allele origin: germline.
Comment: This sequence change replaces leucine, which is neutral and non-polar, with proline, which is neutral and non-polar, at codon 248 of the MAGEL2 protein (p.Leu248Pro). This variant is present in population databases (rs776422534, gnomAD 0.003%). This variant has not been reported in the literature in individuals affected with MAGEL2-related conditions. ClinVar contains an entry for this variant (Variation ID: 2779750). An algorithm developed to predict the effect of missense changes on protein structure and function outputs the following: PolyPhen-2: "Not Available". The proline amino acid residue is found in multiple mammalian species, which suggests that this missense change does not adversely affect protein function. In summary, the available evidence is currently insufficient to determine the role of this variant in disease. Therefore, it has been classified as a Variant of Uncertain Significance.